The following is an entry in ClinVar:

ClinVar aggregate classification (germline): Pathogenic (1 of 4 stars; one submission).

Conditions:
Hereditary cancer-predisposing syndrome. Also called: Hereditary neoplastic syndrome; Neoplastic Syndromes, Hereditary; Tumor predisposition; Hereditary Cancer Syndrome. Identifiers: Orphanet 140162, MedGen C0027672, MeSH D009386, MONDO:0015356.

Submission:

Ambry Genetics
Classification: Pathogenic for Hereditary cancer-predisposing syndrome. Last evaluated: 2025-08-27. Review status: criteria provided, single submitter. Criteria: Ambry Variant Classification Scheme 2023. Collection method: clinical testing. Allele origin: germline.
Comment: The c.117_118delTG pathogenic mutation, located in coding exon 1 of the APC gene, results from a deletion of two nucleotides at nucleotide positions 117 to 118, causing a translational frameshift with a predicted alternate stop codon (p.E40Gfs*3). Premature termination codons are typically deleterious in nature. This variant is considered to be rare based on population cohorts in the Genome Aggregation Database (gnomAD). As such, this alteration is classified as a disease-causing mutation. However, alterations that result in premature termination in coding exon 1 are associated with an attenuated phenotype and may have reduced penetrance compared to classic familial adenomatous polyposis syndrome. Clinical correlation is advised.

NM_000038.6(APC):c.117_118del (p.Glu40fs)

Gene: APC (APC regulator of Wnt signaling pathway; plus strand). Cytogenetic location: 5q22.2.
Variant type: Deletion.
Coding change: c.117_118del on transcript NM_000038.6 (MANE Select); coding-DNA positions 117 to 118, 2 bases deleted (TG; older notation c.117_118delTG).
Protein change: p.Glu40fs; shifts the reading frame from glutamic acid 40.
Molecular consequence: frameshift variant. On other transcripts: 5 prime UTR variant (4), non-coding transcript variant (2), intron variant (11).
Genome position (GRCh38, 1-based): chr5:112,755,007-112,755,008, TG deleted. VCF-style (leftmost placement, unchanged base first): chr5-112755006-CTG-C. GRCh37 (hg19) VCF-style: chr5-112090703-CTG-C.
Other names: c.117_118del, p.Glu40fs (NM_001407455.1, NM_001407456.1, NM_001407457.1 and 16 more transcripts); c.-919_-918del (NM_001407470.1, NM_001407471.1, NM_001354906.2 and 1 more transcripts); c.166-11319_166-11318del (NM_001407446.1, NM_001354897.2, NM_001354902.2 and 1 more transcripts); c.-42-11319_-42-11318del (NM_001407453.1, NM_001354900.2, NM_001354901.2 and 1 more transcripts); c.61-11319_61-11318del (NM_001407451.1, NM_001354898.2, NM_001354904.2); short protein forms E40fs.
Identifiers: ClinVar variation 4121398 (VCV004121398.1).